The following is an entry in ClinVar:

NM_001853.4(COL9A3):c.1480C>A (p.Pro494Thr)

Genes: COL9A3 (collagen type IX alpha 3 chain; plus strand), LOC126863084 (MED14-independent group 3 enhancer GRCh37_chr20:61467141-61468340; plus strand). Cytogenetic location: 20q13.33.
Variant type: single nucleotide variant.
Coding change: c.1480C>A on transcript NM_001853.4 (MANE Select); coding-DNA position 1480, C replaced by A.
Protein change: p.Pro494Thr; replaces proline 494 with threonine.
Molecular consequence: missense variant.
Genome position (GRCh38, 1-based): chr20:62,836,265, C>A. VCF-style: chr20-62836265-C-A. GRCh37 (hg19) VCF-style: chr20-61467617-C-A.
Other names: short protein forms P494T.
Identifiers: ClinVar variation 3682486 (VCV003682486.2).

ClinVar aggregate classification (germline): Uncertain significance (1 of 4 stars; one submission).

gnomAD v4.1: 1 of 1,613,540 alleles (0.000062%); highest among the groups gnomAD compares: Middle Eastern, 0.016%; no homozygotes.

Submission:

Labcorp Genetics (formerly Invitae), Labcorp
Classification: Uncertain significance. Last evaluated: 2025-03-18. Review status: criteria provided, single submitter. Criteria: Invitae Variant Classification Sherloc (09022015). Collection method: clinical testing. Allele origin: germline.
Comment: This sequence change replaces proline, which is neutral and non-polar, with threonine, which is neutral and polar, at codon 494 of the COL9A3 protein (p.Pro494Thr). This variant is not present in population databases (gnomAD no frequency). This variant has not been reported in the literature in individuals affected with COL9A3-related conditions. Invitae Evidence Modeling of protein sequence and biophysical properties (such as structural, functional, and spatial information, amino acid conservation, physicochemical variation, residue mobility, and thermodynamic stability) indicates that this missense variant is not expected to disrupt COL9A3 protein function with a negative predictive value of 95%. In summary, the available evidence is currently insufficient to determine the role of this variant in disease. Therefore, it has been classified as a Variant of Uncertain Significance.